The following is an entry in ClinVar:

NM_005883.3(APC2):c.4272C>T (p.Gly1424=)

Gene: APC2 (APC regulator of Wnt signaling pathway 2; plus strand). Cytogenetic location: 19p13.3.
Variant type: single nucleotide variant.
Coding change: c.4272C>T on transcript NM_005883.3 (MANE Select); coding-DNA position 4272, C replaced by T.
Protein change: p.Gly1424=; no amino-acid change (glycine 1424 retained).
Molecular consequence: synonymous variant.
Genome position (GRCh38, 1-based): chr19:1,467,573, C>T. VCF-style: chr19-1467573-C-T. GRCh37 (hg19) VCF-style: chr19-1467572-C-T.
Other names: c.4269C>T, p.Gly1423= (NM_001351273.1).
Identifiers: ClinVar variation 2153310 (VCV002153310.5), dbSNP rs763307188, ClinGen allele CA9045797.

ClinVar aggregate classification (germline): Conflicting classifications of pathogenicity. Review status: criteria provided, conflicting classifications (1 of 4 stars). 2 submissions from 2 submitters: Uncertain significance (1); Likely benign (1). Last evaluated 2024-08-08.

Allele frequency attached by ClinVar (database versions not stated): gnomAD 0.00003; gnomAD exomes 0.00004; TOPMed 0.00004; ExAC 0.00027.
gnomAD v4.1: 62 of 1,510,686 alleles (0.0041%); highest among the groups gnomAD compares: Admixed American, 0.0041%; no homozygotes.

Submissions (2):

Labcorp Genetics (formerly Invitae), Labcorp
Classification: Uncertain significance. Last evaluated: 2024-08-08. Review status: criteria provided, single submitter. Criteria: Invitae Variant Classification Sherloc (09022015). Collection method: clinical testing. Allele origin: germline.
Comment: This sequence change replaces glycine, which is neutral and non-polar, with glycine, which is neutral and non-polar, at codon 1424 of the APC2 protein (Silent). The frequency data for this variant in the population databases is considered unreliable, as metrics indicate poor data quality at this position in the gnomAD database. This variant has not been reported in the literature in individuals affected with APC2-related conditions. ClinVar contains an entry for this variant (Variation ID: 2153310). Algorithms developed to predict the effect of sequence changes on RNA splicing suggest that this variant is not likely to affect RNA splicing. In summary, the available evidence is currently insufficient to determine the role of this variant in disease. Therefore, it has been classified as a Variant of Uncertain Significance.

Blueprint Genetics
Classification: Likely benign. Last evaluated: 2023-02-24. Review status: criteria provided, single submitter. Criteria: ACMG Guidelines, 2015. Collection method: clinical testing. Allele origin: germline.